The following is an entry in ClinVar:

NM_001130004.2(ACTN1):c.898C>T (p.Arg300Trp)

Gene: ACTN1 (actinin alpha 1; minus strand). Cytogenetic location: 14q24.1.
Variant type: single nucleotide variant.
Coding change: c.898C>T on transcript NM_001130004.2 (MANE Select); coding-DNA position 898, C replaced by T.
Protein change: p.Arg300Trp; replaces arginine 300 with tryptophan.
Molecular consequence: missense variant.
Genome position (GRCh38, 1-based): chr14:68,892,241, G>A on the plus strand (C>T on the coding strand, the complement: ACTN1 is on the minus strand). VCF-style: chr14-68892241-G-A. GRCh37 (hg19) VCF-style: chr14-69358958-G-A.
Other names: c.898C>T, p.Arg300Trp (NM_001424016.1, NM_001424019.1, NM_001424023.1 and 9 more transcripts); c.895C>T, p.Arg299Trp (NM_001424017.1); c.835C>T, p.Arg279Trp (NM_001424018.1, NM_001424020.1, NM_001424022.1); c.829C>T, p.Arg277Trp (NM_001424021.1); c.703C>T, p.Arg235Trp (NM_001424026.1, NM_001424028.1, NM_001411036.1); c.73C>T, p.Arg25Trp (NM_001424030.1); c.1024C>T, p.Arg342Trp (NM_001424013.1); c.985C>T, p.Arg329Trp (NM_001424015.1); short protein forms R235W, R279W, R277W, R299W, R329W, R25W, R300W, R342W.
Identifiers: ClinVar variation 3669127 (VCV003669127.2).

ClinVar aggregate classification (germline): Uncertain significance (1 of 4 stars; one submission).

gnomAD v4.1: 7 of 1,614,024 alleles (0.00043%); highest among the groups gnomAD compares: Middle Eastern, 0.033%; no homozygotes.

Submission:

Labcorp Genetics (formerly Invitae), Labcorp
Classification: Uncertain significance. Last evaluated: 2024-07-22. Review status: criteria provided, single submitter. Criteria: Invitae Variant Classification Sherloc (09022015). Collection method: clinical testing. Allele origin: germline.
Comment: This sequence change replaces arginine, which is basic and polar, with tryptophan, which is neutral and slightly polar, at codon 300 of the ACTN1 protein (p.Arg300Trp). This variant is not present in population databases (gnomAD no frequency). This missense change has been observed in individual(s) with isolated nonsyndromic thrombocytopenia (PMID: 32757236). Advanced modeling of protein sequence and biophysical properties (such as structural, functional, and spatial information, amino acid conservation, physicochemical variation, residue mobility, and thermodynamic stability) performed at Invitae indicates that this missense variant is expected to disrupt ACTN1 protein function with a positive predictive value of 80%. In summary, the available evidence is currently insufficient to determine the role of this variant in disease. Therefore, it has been classified as a Variant of Uncertain Significance.

Literature cited by the submitters: PubMed 32757236.